The following is an entry in ClinVar:

NM_002350.4(LYN):c.61A>T (p.Thr21Ser)

Gene: LYN (LYN proto-oncogene, Src family tyrosine kinase; plus strand). Cytogenetic location: 8q12.1.
Variant type: single nucleotide variant.
Coding change: c.61A>T on transcript NM_002350.4 (MANE Select); coding-DNA position 61, A replaced by T.
Protein change: p.Thr21Ser; replaces threonine 21 with serine.
Molecular consequence: missense variant.
Genome position (GRCh38, 1-based): chr8:55,941,920, A>T. VCF-style: chr8-55941920-A-T. GRCh37 (hg19) VCF-style: chr8-56854479-A-T.
Other names: c.61A>T, p.Thr21Ser (NM_001111097.3); short protein forms T21S.
Identifiers: ClinVar variation 3688079 (VCV003688079.2).

ClinVar aggregate classification (germline): Uncertain significance (1 of 4 stars; one submission).

Submission:

Labcorp Genetics (formerly Invitae), Labcorp
Classification: Uncertain significance. Last evaluated: 2024-11-02. Review status: criteria provided, single submitter. Criteria: Invitae Variant Classification Sherloc (09022015). Collection method: clinical testing. Allele origin: germline.
Comment: This sequence change replaces threonine, which is neutral and polar, with serine, which is neutral and polar, at codon 21 of the LYN protein (p.Thr21Ser). This variant is not present in population databases (gnomAD no frequency). This variant has not been reported in the literature in individuals affected with LYN-related conditions. An algorithm developed to predict the effect of missense changes on protein structure and function (PolyPhen-2) suggests that this variant is likely to be tolerated. In summary, the available evidence is currently insufficient to determine the role of this variant in disease. Therefore, it has been classified as a Variant of Uncertain Significance.